The following is an entry in ClinVar:

ClinVar aggregate classification (germline): Uncertain significance (1 of 4 stars; one submission).

Conditions:
ALG6-congenital disorder of glycosylation 1C (CDG1C). Also called: Congenital disorder of glycosylation, type Ic; CDG Ic; CARBOHYDRATE-DEFICIENT GLYCOPROTEIN SYNDROME, TYPE I, WITH DEFICIENT GLYCOSYLATION OF DOLICHOL-LINKED OLIGOSACCHARIDE; CARBOHYDRATE-DEFICIENT GLYCOPROTEIN SYNDROME, TYPE V; Congenital disorder of glycosylation type 1C. Identifiers: Orphanet 79320, MedGen C2930997, MONDO:0011291, OMIM 603147.

Submission:

Labcorp Genetics (formerly Invitae), Labcorp
Classification: Uncertain significance for ALG6-congenital disorder of glycosylation 1C. Last evaluated: 2024-10-15. Review status: criteria provided, single submitter. Criteria: Invitae Variant Classification Sherloc (09022015). Collection method: clinical testing. Allele origin: germline.
Comment: This sequence change replaces leucine, which is neutral and non-polar, with histidine, which is basic and polar, at codon 244 of the ALG6 protein (p.Leu244His). This variant is not present in population databases (gnomAD no frequency). This variant has not been reported in the literature in individuals affected with ALG6-related conditions. ClinVar contains an entry for this variant (Variation ID: 1714928). Invitae Evidence Modeling of protein sequence and biophysical properties (such as structural, functional, and spatial information, amino acid conservation, physicochemical variation, residue mobility, and thermodynamic stability) indicates that this missense variant is expected to disrupt ALG6 protein function with a positive predictive value of 80%. In summary, the available evidence is currently insufficient to determine the role of this variant in disease. Therefore, it has been classified as a Variant of Uncertain Significance.

NM_013339.4(ALG6):c.731T>A (p.Leu244His)

Gene: ALG6 (ALG6 alpha-1,3-glucosyltransferase; plus strand). Cytogenetic location: 1p31.3.
Variant type: single nucleotide variant.
Coding change: c.731T>A on transcript NM_013339.4 (MANE Select); coding-DNA position 731, T replaced by A.
Protein change: p.Leu244His; replaces leucine 244 with histidine.
Molecular consequence: missense variant.
Genome position (GRCh38, 1-based): chr1:63,411,976, T>A. VCF-style: chr1-63411976-T-A. GRCh37 (hg19) VCF-style: chr1-63877647-T-A.
Other names: short protein forms L244H.
Identifiers: ClinVar variation 1714928 (VCV001714928.4), dbSNP rs112310201, ClinGen allele CA340635427.